The following is an entry in ClinVar:

ClinVar aggregate classification (germline): Uncertain significance (1 of 4 stars; one submission).

Conditions:
Ehlers-Danlos syndrome, classic type, 1 (EDSCL1). Also called: EHLERS-DANLOS SYNDROME, GRAVIS TYPE; EHLERS-DANLOS SYNDROME, SEVERE CLASSIC TYPE; Ehlers-Danlos syndrome, type 1; Ehlers-Danlos Syndrome, Classic Type, COL5A1-Related; EDS I. Identifiers: MedGen C0268335, MONDO:0019567, OMIM 130000.

gnomAD v4.1: 1 of 1,612,200 alleles (0.000062%); highest among the groups gnomAD compares: Non-Finnish European, 0.000085%; no homozygotes.

Submission:

Labcorp Genetics (formerly Invitae), Labcorp
Classification: Uncertain significance for Ehlers-Danlos syndrome, classic type, 1. Last evaluated: 2025-07-13. Review status: criteria provided, single submitter. Criteria: Invitae Variant Classification Sherloc (09022015). Collection method: clinical testing. Allele origin: germline.
Comment: This sequence change replaces glutamine, which is neutral and polar, with glutamic acid, which is acidic and polar, at codon 542 of the COL5A2 protein (p.Gln542Glu). This variant is not present in population databases (gnomAD no frequency). This variant has not been reported in the literature in individuals affected with COL5A2-related conditions. Invitae Evidence Modeling of protein sequence and biophysical properties (such as structural, functional, and spatial information, amino acid conservation, physicochemical variation, residue mobility, and thermodynamic stability) indicates that this missense variant is not expected to disrupt COL5A2 protein function with a negative predictive value of 80%. In summary, the available evidence is currently insufficient to determine the role of this variant in disease. Therefore, it has been classified as a Variant of Uncertain Significance.

NM_000393.5(COL5A2):c.1624C>G (p.Gln542Glu)

Gene: COL5A2 (collagen type V alpha 2 chain; minus strand). Cytogenetic location: 2q32.2.
Variant type: single nucleotide variant.
Coding change: c.1624C>G on transcript NM_000393.5 (MANE Select); coding-DNA position 1624, C replaced by G.
Protein change: p.Gln542Glu; replaces glutamine 542 with glutamic acid.
Molecular consequence: missense variant.
Genome position (GRCh38, 1-based): chr2:189,064,649, G>C on the plus strand (C>G on the coding strand, the complement: COL5A2 is on the minus strand). VCF-style: chr2-189064649-G-C. GRCh37 (hg19) VCF-style: chr2-189929375-G-C.
Other names: short protein forms Q542E.
Identifiers: ClinVar variation 4766832 (VCV004766832.1).